The following is an entry in ClinVar:

ClinVar aggregate classification (germline): Uncertain significance (1 of 4 stars; one submission).

Conditions:
Adams-Oliver syndrome 5 (AOS5). Identifiers: Orphanet 974, MedGen C4014970, MONDO:0014459, OMIM 616028.

gnomAD v4.1: 8 of 1,612,728 alleles (0.0005%); highest among the groups gnomAD compares: Non-Finnish European, 0.00068%; no homozygotes.

Submission:

Labcorp Genetics (formerly Invitae), Labcorp
Classification: Uncertain significance for Adams-Oliver syndrome 5. Last evaluated: 2025-05-21. Review status: criteria provided, single submitter. Criteria: Invitae Variant Classification Sherloc (09022015). Collection method: clinical testing. Allele origin: germline.
Comment: This sequence change replaces alanine, which is neutral and non-polar, with glutamic acid, which is acidic and polar, at codon 1471 of the NOTCH1 protein (p.Ala1471Glu). This variant is not present in population databases (gnomAD no frequency). This variant has not been reported in the literature in individuals affected with NOTCH1-related conditions. ClinVar contains an entry for this variant (Variation ID: 2852537). Invitae Evidence Modeling of protein sequence and biophysical properties (such as structural, functional, and spatial information, amino acid conservation, physicochemical variation, residue mobility, and thermodynamic stability) indicates that this missense variant is not expected to disrupt NOTCH1 protein function with a negative predictive value of 80%. In summary, the available evidence is currently insufficient to determine the role of this variant in disease. Therefore, it has been classified as a Variant of Uncertain Significance.

NM_017617.5(NOTCH1):c.4412C>A (p.Ala1471Glu)

Gene: NOTCH1 (notch receptor 1; minus strand). Cytogenetic location: 9q34.3.
Variant type: single nucleotide variant.
Coding change: c.4412C>A on transcript NM_017617.5 (MANE Select); coding-DNA position 4412, C replaced by A.
Protein change: p.Ala1471Glu; replaces alanine 1471 with glutamic acid.
Molecular consequence: missense variant.
Genome position (GRCh38, 1-based): chr9:136,505,484, G>T on the plus strand (C>A on the coding strand, the complement: NOTCH1 is on the minus strand). VCF-style: chr9-136505484-G-T. GRCh37 (hg19) VCF-style: chr9-139399936-G-T.
Other names: short protein forms A1471E.
Identifiers: ClinVar variation 2852537 (VCV002852537.3), dbSNP rs376799353, ClinGen allele CA375647758.